The following is an entry in ClinVar:

NM_004564.3(GATB):c.568T>C (p.Leu190=)

Gene: GATB (glutamyl-tRNA amidotransferase subunit B; minus strand). Cytogenetic location: 4q31.3.
Variant type: single nucleotide variant.
Coding change: c.568T>C on transcript NM_004564.3 (MANE Select); coding-DNA position 568, T replaced by C.
Protein change: p.Leu190=; no amino-acid change (leucine 190 retained).
Molecular consequence: synonymous variant.
Genome position (GRCh38, 1-based): chr4:151,716,948, A>G on the plus strand (T>C on the coding strand, the complement: GATB is on the minus strand). VCF-style: chr4-151716948-A-G. GRCh37 (hg19) VCF-style: chr4-152638100-A-G.
Other names: c.568T>C, p.Leu190= (NM_001363341.2).
Identifiers: ClinVar variation 3905576 (VCV003905576.10).

ClinVar aggregate classification (germline): Likely benign (1 of 4 stars; one submission).

gnomAD v4.1: 11 of 1,614,146 alleles (0.00068%); highest among the groups gnomAD compares: Middle Eastern, 0.016%; no homozygotes.

Submission:

CeGaT Center for Human Genetics Tuebingen
Classification: Likely benign. Last evaluated: 2025-04-01. Review status: criteria provided, single submitter. Criteria: CeGaT Center For Human Genetics Tuebingen Variant Classification Criteria Version 2. Collection method: clinical testing. Allele origin: germline. Affected: yes. Observed: 1 variant allele.
Comment: GATB: BP4, BP7